The following is an entry in ClinVar:

ClinVar aggregate classification (germline): Pathogenic (1 of 4 stars; one submission).

Conditions:
Duchenne muscular dystrophy (DMD). Also called: MUSCULAR DYSTROPHY, PSEUDOHYPERTROPHIC PROGRESSIVE, DUCHENNE TYPE; Duchenne Muscular Dystrophy (DMD). Identifiers: Orphanet 98896, MedGen C0013264, MONDO:0010679, OMIM 310200.

Submission:

Labcorp Genetics (formerly Invitae), Labcorp
Classification: Pathogenic for Duchenne muscular dystrophy. Last evaluated: 2023-10-30. Review status: criteria provided, single submitter. Criteria: Invitae Variant Classification Sherloc (09022015). Collection method: clinical testing. Allele origin: unknown.
Comment: This variant results in a copy number gain of the genomic region encompassing exon(s) 56 of the DMD gene. While the exact position of this variant cannot be determined from the data, sub-genic copy number gains are generally in tandem (PMID: 25640679). This variant is predicted to be out-of-frame, and may result in an absent or disrupted protein product. Loss-of-function variants in DMD are known to be pathogenic (PMID: 16770791, 25007885). A similar copy number variant has been observed in individuals with DMD-related conditions (PMID: 12233050, 34629887). For these reasons, this variant has been classified as Pathogenic.

Literature cited by the submitters: PubMed 25640679; PubMed 16770791; PubMed 25007885; PubMed 12233050; PubMed 34629887.

NC_000023.10:g.(?_31525378)_(31525590_?)dup

Gene: DMD (dystrophin; minus strand). Cytogenetic location: Xp21.1.
Variant type: Duplication.
Identifiers: ClinVar variation 3242724 (VCV003242724.1).